The following is an entry in ClinVar:

NM_002900.3(RBP3):c.604C>T (p.Arg202Cys)

Gene: RBP3 (retinol binding protein 3; plus strand). Cytogenetic location: 10q11.22.
Variant type: single nucleotide variant.
Coding change: c.604C>T on transcript NM_002900.3 (MANE Select); coding-DNA position 604, C replaced by T.
Protein change: p.Arg202Cys; replaces arginine 202 with cysteine.
Molecular consequence: missense variant.
Genome position (GRCh38, 1-based): chr10:47,349,088, C>T. VCF-style: chr10-47349088-C-T. GRCh37 (hg19) VCF-style: chr10-48390274-G-A.
Other names: short protein forms R202C.
Identifiers: ClinVar variation 857106 (VCV000857106.6), dbSNP rs781892604, ClinGen allele CA5487748.

ClinVar aggregate classification (germline): Uncertain significance (1 of 4 stars; one submission).

Allele frequency attached by ClinVar (database versions not stated): TOPMed below 0.00001; gnomAD 0.00001; gnomAD exomes 0.00001 and 0.00002; ExAC 0.00002.

Submission:

Labcorp Genetics (formerly Invitae), Labcorp
Classification: Uncertain significance. Last evaluated: 2022-06-13. Review status: criteria provided, single submitter. Criteria: Invitae Variant Classification Sherloc (09022015). Collection method: clinical testing. Allele origin: germline.
Comment: In summary, the available evidence is currently insufficient to determine the role of this variant in disease. Therefore, it has been classified as a Variant of Uncertain Significance. Algorithms developed to predict the effect of missense changes on protein structure and function (SIFT, PolyPhen-2, Align-GVGD) all suggest that this variant is likely to be disruptive. ClinVar contains an entry for this variant (Variation ID: 857106). This variant has not been reported in the literature in individuals affected with RBP3-related conditions. This variant is present in population databases (rs781892604, gnomAD 0.003%). This sequence change replaces arginine, which is basic and polar, with cysteine, which is neutral and slightly polar, at codon 202 of the RBP3 protein (p.Arg202Cys).